The following is an entry in ClinVar:

NM_000091.5(COL4A3):c.942G>A (p.Lys314=)

Genes: COL4A3 (collagen type IV alpha 3 chain; plus strand), MFF-DT (MFF divergent transcript; minus strand). Cytogenetic location: 2q36.3.
Variant type: single nucleotide variant.
Coding change: c.942G>A on transcript NM_000091.5 (MANE Select); coding-DNA position 942, G replaced by A.
Protein change: p.Lys314=; no amino-acid change (lysine 314 retained).
Molecular consequence: synonymous variant.
Genome position (GRCh38, 1-based): chr2:227,256,351, G>A. VCF-style: chr2-227256351-G-A. GRCh37 (hg19) VCF-style: chr2-228121067-G-A.
Identifiers: ClinVar variation 1150709 (VCV001150709.13), dbSNP rs762999258, ClinGen allele CA2146448.

ClinVar aggregate classification (germline): Likely benign. Review status: criteria provided, multiple submitters, no conflicts (2 of 4 stars). 2 submissions from 2 submitters: Likely benign (2). Last evaluated 2026-04-01.

Allele frequency attached by ClinVar (database versions not stated): ExAC 0.00001; gnomAD 0.00001; gnomAD exomes 0.00002.
gnomAD v4.1: 69 of 1,613,392 alleles (0.0043%); highest among the groups gnomAD compares: Non-Finnish European, 0.0052%; no homozygotes.

Submissions (2):

CeGaT Center for Human Genetics Tuebingen
Classification: Likely benign. Last evaluated: 2026-04-01. Review status: criteria provided, single submitter. Criteria: CeGaT Center For Human Genetics Tuebingen Variant Classification Criteria Version 2. Collection method: clinical testing. Allele origin: germline. Affected: yes. Observed: 1 variant allele.
Comment: COL4A3: BP4, BP7

Labcorp Genetics (formerly Invitae), Labcorp
Classification: Likely benign. Last evaluated: 2025-12-04. Review status: criteria provided, single submitter. Criteria: Invitae Variant Classification Sherloc (09022015). Collection method: clinical testing. Allele origin: germline.